The following is an entry in ClinVar:

ClinVar aggregate classification (germline): Uncertain significance (1 of 4 stars; one submission).

Conditions:
Hereditary cancer-predisposing syndrome. Also called: Hereditary neoplastic syndrome; Tumor predisposition; Hereditary Cancer Syndrome; Neoplastic Syndromes, Hereditary. Identifiers: Orphanet 140162, MedGen C0027672, MeSH D009386, MONDO:0015356.

Submission:

Ambry Genetics
Classification: Uncertain significance for Hereditary cancer-predisposing syndrome. Last evaluated: 2023-06-29. Review status: criteria provided, single submitter. Criteria: Ambry Variant Classification Scheme 2023. Collection method: clinical testing. Allele origin: germline.
Comment: The p.A1169S variant (also known as c.3505G>T), located in coding exon 17 of the BLM gene, results from a G to T substitution at nucleotide position 3505. The alanine at codon 1169 is replaced by serine, an amino acid with similar properties. This amino acid position is well conserved in available vertebrate species. In addition, this alteration is predicted to be tolerated by in silico analysis. Since supporting evidence is limited at this time, the clinical significance of this alteration remains unclear.

NM_000057.4(BLM):c.3505G>T (p.Ala1169Ser)

Gene: BLM (BLM RecQ like helicase; plus strand). Cytogenetic location: 15q26.1.
Variant type: single nucleotide variant.
Coding change: c.3505G>T on transcript NM_000057.4 (MANE Select); coding-DNA position 3505, G replaced by T.
Protein change: p.Ala1169Ser; replaces alanine 1169 with serine.
Molecular consequence: missense variant. On other transcripts: intron variant (1).
Genome position (GRCh38, 1-based): chr15:90,803,667, G>T. VCF-style: chr15-90803667-G-T. GRCh37 (hg19) VCF-style: chr15-91346897-G-T.
Other names: c.3505G>T, p.Ala1169Ser (NM_001287246.2); c.2380G>T, p.Ala794Ser (NM_001287248.2); c.3358+5330G>T (NM_001287247.2); short protein forms A794S, A1169S.
Identifiers: ClinVar variation 2586863 (VCV002586863.2), dbSNP rs777492549, ClinGen allele CA393847748.